The following is an entry in ClinVar:

NM_001374385.1(ATP8B1):c.1889_1890insGTAAC (p.His630delinsGlnTer)

Gene: ATP8B1 (ATPase phospholipid transporting 8B1; minus strand). Cytogenetic location: 18q21.31.
Variant type: Insertion.
Coding change: c.1889_1890insGTAAC on transcript NM_001374385.1 (MANE Select); coding-DNA positions 1889 to 1890, GTAAC inserted.
Protein change: p.His630delinsGlnTer.
Molecular consequence: nonsense.
Genome position: GRCh38 VCF-style: chr18-57671510-A-AGTTAC. GRCh37 (hg19) VCF-style: chr18-55338742-A-AGTTAC.
Other names: c.1739_1740insGTAAC, p.His580delinsGlnTer (NM_001374386.1); c.1889_1890insGTAAC, p.His630delinsGlnTer (NM_005603.6).
Identifiers: ClinVar variation 4846176 (VCV004846176.1).

ClinVar aggregate classification (germline): Likely pathogenic (1 of 4 stars; one submission).

Conditions:
Familial intrahepatic cholestasis. Identifiers: Orphanet 284385, MedGen CN296401, MONDO:0017290.

Submission:

Genomenon, Inc
Classification: Likely pathogenic for Familial intrahepatic cholestasis. Last evaluated: 2026-04-14. Review status: criteria provided, single submitter. Criteria: Genomenon Sequence Variant Interpretation Standards - Updated. Collection method: curation. Allele origin: germline. Affected: no.
Comment: ATP8B1 p.His630GlnfsTer2 (c.1889_1890insGTAAC) is a frameshift variant that results in the production of a truncated protein which is predicted to undergo nonsense-mediated mRNA decay. This variant has been reported in the published literature (PMID:25737299). It is absent or not present at a significant frequency in gnomAD. In conclusion, we classify ATP8B1 p.His630GlnfsTer2 (c.1889_1890insGTAAC) as a likely pathogenic variant.

Literature cited by the submitters: PubMed 25737299.